The following is an entry in ClinVar:

ClinVar aggregate classification (germline): Uncertain significance. Review status: criteria provided, multiple submitters, no conflicts (2 of 4 stars). 2 submissions from 2 submitters: Uncertain significance (2). Last evaluated 2026-08-03.

Conditions:
Duchenne muscular dystrophy (DMD). Also called: Duchenne Muscular Dystrophy (DMD); MUSCULAR DYSTROPHY, PSEUDOHYPERTROPHIC PROGRESSIVE, DUCHENNE TYPE. Identifiers: Orphanet 98896, MedGen C0013264, MONDO:0010679, OMIM 310200.
Cardiovascular phenotype. Identifiers: MedGen CN230736.

gnomAD v4.1: 5 of 1,211,284 alleles (0.00041%); highest among the groups gnomAD compares: Non-Finnish European, 0.00056%; no homozygotes.

Submissions (2):

Ambry Genetics
Classification: Uncertain significance for Cardiovascular phenotype. Last evaluated: 2026-08-03. Review status: criteria provided, single submitter. Criteria: Ambry Variant Classification Scheme 2023. Collection method: clinical testing. Allele origin: germline.
Comment: The p.Q3635H variant (also known as c.10905A>C), located in coding exon 76 of the DMD gene, results from an A to C substitution at nucleotide position 10905. The glutamine at codon 3635 is replaced by histidine, an amino acid with highly similar properties. This amino acid position is conserved. In addition, the in silico prediction for this alteration is inconclusive. Based on the available evidence, the clinical significance of this variant remains unclear.

Labcorp Genetics (formerly Invitae), Labcorp
Classification: Uncertain significance for Duchenne muscular dystrophy. Last evaluated: 2024-02-26. Review status: criteria provided, single submitter. Criteria: Invitae Variant Classification Sherloc (09022015). Collection method: clinical testing. Allele origin: germline.
Comment: This sequence change replaces glutamine, which is neutral and polar, with histidine, which is basic and polar, at codon 3635 of the DMD protein (p.Gln3635His). This variant is not present in population databases (gnomAD no frequency). This variant has not been reported in the literature in individuals affected with DMD-related conditions. Advanced modeling of protein sequence and biophysical properties (such as structural, functional, and spatial information, amino acid conservation, physicochemical variation, residue mobility, and thermodynamic stability) performed at Invitae indicates that this missense variant is not expected to disrupt DMD protein function with a negative predictive value of 95%. In summary, the available evidence is currently insufficient to determine the role of this variant in disease. Therefore, it has been classified as a Variant of Uncertain Significance.

NM_004006.3(DMD):c.10905A>C (p.Gln3635His)

Gene: DMD (dystrophin; minus strand). Cytogenetic location: Xp21.2.
Variant type: single nucleotide variant.
Coding change: c.10905A>C on transcript NM_004006.3 (MANE Select); coding-DNA position 10905, A replaced by C.
Protein change: p.Gln3635His; replaces glutamine 3635 with histidine.
Molecular consequence: missense variant.
Genome position (GRCh38, 1-based): chrX:31,146,307, T>G on the plus strand (A>C on the coding strand, the complement: DMD is on the minus strand). VCF-style: chrX-31146307-T-G. GRCh37 (hg19) VCF-style: chrX-31164424-T-G.
Other names: c.10881A>C, p.Gln3627His (NM_000109.4); c.10893A>C, p.Gln3631His (NM_004009.3); c.10536A>C, p.Gln3512His (NM_004010.3); c.6882A>C, p.Gln2294His (NM_004011.4); c.6873A>C, p.Gln2291His (NM_004012.4); c.3525A>C, p.Gln1175His (NM_004013.3, NM_004021.3); c.2718A>C, p.Gln906His (NM_004014.3); c.1701A>C, p.Gln567His (NM_004015.3, NM_004016.3); and 3 more; short protein forms Q3512H, Q554H, Q1065H, Q2291H, Q3631H, Q906H, Q1162H, Q2294H.
Identifiers: ClinVar variation 3632890 (VCV003632890.3).